The following is an entry in ClinVar:

NM_052928.3(SMYD4):c.1933G>A (p.Val645Ile)

Gene: SMYD4 (SET and MYND domain containing 4; minus strand). Cytogenetic location: 17p13.3.
Variant type: single nucleotide variant.
Coding change: c.1933G>A on transcript NM_052928.3 (MANE Select); coding-DNA position 1933, G replaced by A.
Protein change: p.Val645Ile; replaces valine 645 with isoleucine.
Molecular consequence: missense variant.
Genome position (GRCh38, 1-based): chr17:1,784,413, C>T on the plus strand (G>A on the coding strand, the complement: SMYD4 is on the minus strand). VCF-style: chr17-1784413-C-T. GRCh37 (hg19) VCF-style: chr17-1687707-C-T.
Other names: short protein forms V645I.
Identifiers: ClinVar variation 2647211 (VCV002647211.24), dbSNP rs113019014, ClinGen allele CA8275193.

ClinVar aggregate classification (germline): Likely benign (1 of 4 stars; one submission).

Allele frequency attached by ClinVar (database versions not stated): 1000 Genomes Project 0.00080; 1000 Genomes Project 30x 0.00094; ExAC 0.00192; ESP Exome Variant Server 0.00246; gnomAD 0.00255; TOPMed 0.00281.

Submission:

CeGaT Center for Human Genetics Tuebingen
Classification: Likely benign. Last evaluated: 2022-10-01. Review status: criteria provided, single submitter. Criteria: CeGaT Center For Human Genetics Tuebingen Variant Classification Criteria Version 2. Collection method: clinical testing. Allele origin: germline. Affected: yes. Observed: 1 variant allele.
Comment: SMYD4: BP4